The following is an entry in ClinVar:

ClinVar aggregate classification (germline): Uncertain significance (1 of 4 stars; one submission).

Conditions:
Schuurs-Hoeijmakers syndrome. Also called: PACS1-Related Neurodevelopmental Disorder. Identifiers: Orphanet 329224, MedGen C3554343, MONDO:0014006, OMIM 615009.

gnomAD v4.1: 1 of 1,613,988 alleles (0.000062%); highest among the groups gnomAD compares: Middle Eastern, 0.017%; no homozygotes.

Submission:

Labcorp Genetics (formerly Invitae), Labcorp
Classification: Uncertain significance for Schuurs-Hoeijmakers syndrome. Last evaluated: 2025-01-13. Review status: criteria provided, single submitter. Criteria: Invitae Variant Classification Sherloc (09022015). Collection method: clinical testing. Allele origin: germline.
Comment: This sequence change replaces asparagine, which is neutral and polar, with lysine, which is basic and polar, at codon 715 of the PACS1 protein (p.Asn715Lys). This variant is present in population databases (no rsID available, gnomAD 0.0009%). This variant has not been reported in the literature in individuals affected with PACS1-related conditions. ClinVar contains an entry for this variant (Variation ID: 2918200). Invitae Evidence Modeling of protein sequence and biophysical properties (such as structural, functional, and spatial information, amino acid conservation, physicochemical variation, residue mobility, and thermodynamic stability) indicates that this missense variant is not expected to disrupt PACS1 protein function with a negative predictive value of 80%. In summary, the available evidence is currently insufficient to determine the role of this variant in disease. Therefore, it has been classified as a Variant of Uncertain Significance.

NM_018026.4(PACS1):c.2145C>G (p.Asn715Lys)

Gene: PACS1 (phosphofurin acidic cluster sorting protein 1; plus strand). Cytogenetic location: 11q13.2.
Variant type: single nucleotide variant.
Coding change: c.2145C>G on transcript NM_018026.4 (MANE Select); coding-DNA position 2145, C replaced by G.
Protein change: p.Asn715Lys; replaces asparagine 715 with lysine.
Molecular consequence: missense variant.
Genome position (GRCh38, 1-based): chr11:66,235,341, C>G. VCF-style: chr11-66235341-C-G. GRCh37 (hg19) VCF-style: chr11-66002812-C-G.
Other names: short protein forms N715K.
Identifiers: ClinVar variation 2918200 (VCV002918200.3), dbSNP rs150214972, ClinGen allele CA381376584.
Genomic context (GRCh38, chr11:66,235,341, plus strand): 5'-ATCTCTTGGCTTTTCTGCAGAGCAACTGGACGTGGCAGGGCGGGTGATGCAGTACGTCAA[C>G]GGGGCAGCCACGACACACCAGCTTCCCGTGGCCGAAGCCATGCTGACTTGCCGGCATAAG-3'
Protein context (NP_060496.2, residues 705-725): DVAGRVMQYV[Asn715Lys]GAATTHQLPV